The following is an entry in ClinVar:

ClinVar aggregate classification (germline): Likely benign. Review status: criteria provided, multiple submitters, no conflicts (2 of 4 stars). 5 submissions from 5 submitters: Likely benign (5). Last evaluated 2026-01-17.

Conditions:
LAMA2-related disorder. Also called: LAMA2-related condition; LAMA2-related disorders.
LAMA2-related muscular dystrophy (LAMA2-RD). Also called: Laminin alpha 2-related dystrophy. Identifiers: MedGen C5679788, MONDO:0100228.

Allele frequency attached by ClinVar (database versions not stated): gnomAD 0.00019; ESP Exome Variant Server 0.00031; TOPMed 0.00033; 1000 Genomes Project 0.00040; 1000 Genomes Project 30x 0.00047.
gnomAD v4.1: 291 of 1,613,800 alleles (0.018%); highest among the groups gnomAD compares: African/African-American, 0.057%; no homozygotes.

Submissions (5):

Labcorp Genetics (formerly Invitae), Labcorp
Classification: Likely benign for LAMA2-related muscular dystrophy. Last evaluated: 2026-01-17. Review status: criteria provided, single submitter. Criteria: Invitae Variant Classification Sherloc (09022015). Collection method: clinical testing. Allele origin: germline.

PreventionGenetics, part of Exact Sciences
Classification: Likely benign for LAMA2-related condition. Last evaluated: 2025-11-10. Review status: criteria provided, single submitter. Criteria: ACMG Guidelines, 2015. Collection method: clinical testing. Allele origin: germline.
Comment: This variant is classified as likely benign based on ACMG/AMP sequence variant interpretation guidelines (Richards et al. 2015 PMID: 25741868, with internal and published modifications).

Mayo Clinic Laboratories, Mayo Clinic
Classification: Likely benign. Last evaluated: 2025-06-03. Review status: criteria provided, single submitter. Criteria: ACMG Guidelines, 2015. Collection method: clinical testing. Allele origin: germline. Observed: 2 variant alleles.
Comment: BP4, BP7

Blueprint Genetics
Classification: Likely benign. Last evaluated: 2024-11-26. Review status: criteria provided, single submitter. Criteria: ACMG Guidelines, 2015. Collection method: clinical testing. Allele origin: germline.

GeneDx
Classification: Likely benign. Last evaluated: 2017-02-21. Review status: criteria provided, single submitter. Criteria: GeneDx Variant Classification (06012015). Collection method: clinical testing. Allele origin: germline. Affected: yes.
Comment: This variant is considered likely benign or benign based on one or more of the following criteria: it is a conservative change, it occurs at a poorly conserved position in the protein, it is predicted to be benign by multiple in silico algorithms, and/or has population frequency not consistent with disease.

NM_000426.4(LAMA2):c.2766C>T (p.Ala922=)

Gene: LAMA2 (laminin subunit alpha 2; plus strand). Cytogenetic location: 6q22.33.
Variant type: single nucleotide variant.
Coding change: c.2766C>T on transcript NM_000426.4 (MANE Select); coding-DNA position 2766, C replaced by T.
Protein change: p.Ala922=; no amino-acid change (alanine 922 retained).
Molecular consequence: synonymous variant.
Genome position (GRCh38, 1-based): chr6:129,291,630, C>T. VCF-style: chr6-129291630-C-T. GRCh37 (hg19) VCF-style: chr6-129612775-C-T.
Other names: p.Ala922=; c.2766C>T, p.Ala922= (NM_001079823.2).
Identifiers: ClinVar variation 387674 (VCV000387674.15), dbSNP rs149254699, ClinGen allele CA3993062.